The following is an entry in ClinVar:

ClinVar aggregate classification (germline): Conflicting classifications of pathogenicity. Review status: criteria provided, conflicting classifications (1 of 4 stars). 3 submissions from 3 submitters: Uncertain significance (2); Likely benign (1). Last evaluated 2026-05-29.

Conditions:
Multiple endocrine neoplasia, type 2 (MEN2). Identifiers: Orphanet 653, MedGen C4048306, MONDO:0019003. Disease mechanism: gain of function.
Hirschsprung disease, susceptibility to, 1 (HSCR1). Also called: RET-Related Hirschsprung Disease. Identifiers: Orphanet 388, MedGen C3888239, MONDO:0007723, OMIM 142623.
Pheochromocytoma. Also called: MAX-Related Hereditary Paraganglioma-Pheochromocytoma Syndrome. Identifiers: Orphanet 29072, MedGen C0031511, MONDO:0008233, OMIM 171300, HP:0002666.
Multiple endocrine neoplasia type 2A. Also called: MULTIPLE ENDOCRINE NEOPLASIA, TYPE IIA; PTC SYNDROME; SIPPLE SYNDROME; MEN 2A; MEN-2A syndrome; Pheochromocytoma and amyloid producing medullary thyroid carcinoma. Identifiers: Orphanet 247698, Orphanet 653, MedGen C0025268, MeSH D018813, MONDO:0008234, OMIM 171400.
Familial medullary thyroid carcinoma (MTC). Also called: Thyroid cancer, familial medullary; MTC, familial; Familial Medullary Thyroid Carcinoma (FMTC). Identifiers: Orphanet 653, Orphanet 99361, MedGen C1833921, MONDO:0007958, OMIM 155240.
Multiple endocrine neoplasia type 2B. Also called: MEN 2B; Multiple endocrine neoplasia, type 3; MUCOSAL NEUROMA SYNDROME; MEN IIB; NEUROMATA, MUCOSAL, WITH ENDOCRINE TUMORS; WAGENMANN-FROBOESE SYNDROME. Identifiers: Orphanet 247709, Orphanet 653, MedGen C0025269, MeSH D018814, MONDO:0008082, OMIM 162300.
Hereditary cancer-predisposing syndrome. Also called: Neoplastic Syndromes, Hereditary; Tumor predisposition; Hereditary Cancer Syndrome; Hereditary neoplastic syndrome. Identifiers: Orphanet 140162, MedGen C0027672, MeSH D009386, MONDO:0015356.

gnomAD v4.1: 8 of 1,575,602 alleles (0.00051%); highest among the groups gnomAD compares: East Asian, 0.014%; no homozygotes.

Submissions (3):

Ambry Genetics
Classification: Likely benign for Hereditary cancer-predisposing syndrome. Last evaluated: 2026-05-29. Review status: criteria provided, single submitter. Criteria: Ambry Variant Classification Scheme 2023. Collection method: clinical testing. Allele origin: germline.

Labcorp Genetics (formerly Invitae), Labcorp
Classification: Uncertain significance for Multiple endocrine neoplasia, type 2. Last evaluated: 2025-01-14. Review status: criteria provided, single submitter. Criteria: Invitae Variant Classification Sherloc (09022015). Collection method: clinical testing. Allele origin: germline.
Comment: This sequence change replaces alanine, which is neutral and non-polar, with valine, which is neutral and non-polar, at codon 217 of the RET protein (p.Ala217Val). This variant is not present in population databases (gnomAD no frequency). This variant has not been reported in the literature in individuals affected with RET-related conditions. ClinVar contains an entry for this variant (Variation ID: 864118). An algorithm developed to predict the effect of missense changes on protein structure and function (PolyPhen-2) suggests that this variant¬†is likely to be tolerated. In summary, the available evidence is currently insufficient to determine the role of this variant in disease. Therefore, it has been classified as a Variant of Uncertain Significance.

Fulgent Genetics
Classification: Uncertain significance for Hirschsprung disease, susceptibility to, 1; Familial medullary thyroid carcinoma; Multiple endocrine neoplasia type 2B; Pheochromocytoma; Multiple endocrine neoplasia type 2A. Last evaluated: 2024-01-26. Review status: criteria provided, single submitter. Criteria: ACMG Guidelines, 2015. Collection method: clinical testing. Allele origin: germline.

NM_020975.6(RET):c.650C>T (p.Ala217Val)

Gene: RET (ret proto-oncogene; plus strand). Cytogenetic location: 10q11.21.
Variant type: single nucleotide variant.
Coding change: c.650C>T on transcript NM_020975.6 (MANE Select); coding-DNA position 650, C replaced by T.
Protein change: p.Ala217Val; replaces alanine 217 with valine.
Molecular consequence: missense variant.
Genome position (GRCh38, 1-based): chr10:43,104,976, C>T. VCF-style: chr10-43104976-C-T. GRCh37 (hg19) VCF-style: chr10-43600424-C-T.
Other names: c.650C>T, p.Ala217Val (NM_000323.2, NM_001406743.1, NM_001406744.1 and 8 more transcripts); c.-113C>T (NM_001355216.2); c.521C>T, p.Ala174Val (NM_001406761.1, NM_001406762.1, NM_001406764.1 and 2 more transcripts); c.362C>T, p.Ala121Val (NM_001406766.1, NM_001406767.1, NM_001406770.1); short protein forms A217V, A121V, A174V.
Identifiers: ClinVar variation 864118 (VCV000864118.11), dbSNP rs1060500754, ClinGen allele CA376544366.
Genomic context (GRCh38, chr10:43,104,976, plus strand): 5'-GTGATCACGCGGGGCCCCTGTCTGCTTGGTGCGCAGGTGAGGGTCTGCCCTTCCGCTGCG[C>T]CCCGGACAGCCTGGAGGTGAGCACGCGCTGGGCCCTGGACCGCGAGCAGCGGGAGAAGTA-3'
Protein context (NP_066124.1, residues 207-227): LEGEGLPFRC[Ala217Val]PDSLEVSTRW